The following is an entry in ClinVar:

ClinVar aggregate classification (germline): Uncertain significance. Review status: criteria provided, multiple submitters, no conflicts (2 of 4 stars). 6 submissions from 6 submitters: Uncertain significance (5). 1 of the submissions does not count toward it. Last evaluated 2024-10-25.

Conditions:
ABCA4-related retinopathy. Also called: ABCA4 retinoapthy; ABCA4-related retinoapthy. Identifiers: MedGen CN322612, MONDO:0800406.
Retinal dystrophy. Also called: Inherited retinal dystrophy. Identifiers: Orphanet 71862, MedGen C0854723, MeSH D058499, MONDO:0019118, HP:0000556.

Allele frequency attached by ClinVar (database versions not stated): TOPMed below 0.00001; ExAC 0.00001; gnomAD 0.00002; gnomAD exomes 0.00002.
gnomAD v4.1: 37 of 1,613,888 alleles (0.0023%); highest among the groups gnomAD compares: Middle Eastern, 0.033%; no homozygotes.

Submissions (6):

Labcorp Genetics (formerly Invitae), Labcorp
Classification: Uncertain significance. Last evaluated: 2024-10-25. Review status: criteria provided, single submitter. Criteria: Invitae Variant Classification Sherloc (09022015). Collection method: clinical testing. Allele origin: germline.
Comment: This sequence change replaces aspartic acid, which is acidic and polar, with asparagine, which is neutral and polar, at codon 1204 of the ABCA4 protein (p.Asp1204Asn). This variant is present in population databases (rs61750127, gnomAD 0.005%). This missense change has been observed in individual(s) with Stargardt disease and age-related macular degeneration (PMID: 9973280, 15192030, 24409374). ClinVar contains an entry for this variant (Variation ID: 99234). An algorithm developed to predict the effect of missense changes on protein structure and function (PolyPhen-2) suggests that this variant is likely to be tolerated. In summary, the available evidence is currently insufficient to determine the role of this variant in disease. Therefore, it has been classified as a Variant of Uncertain Significance.

Blueprint Genetics
Classification: Uncertain significance. Last evaluated: 2021-08-27. Review status: criteria provided, single submitter. Criteria: ACMG Guidelines, 2015. Collection method: clinical testing. Allele origin: germline.

Department of Pathology and Laboratory Medicine, Sinai Health System
Classification: Uncertain significance for ABCA4-related retinopathy. Last evaluated: 2021-07-30. Review status: criteria provided, single submitter. Criteria: ACMG Guidelines, 2015. Collection method: research. Allele origin: germline.

Institute of Human Genetics, Univ. Regensburg, Univ. Regensburg
Classification: Uncertain significance for Retinal dystrophy. Last evaluated: 2019-01-01. Review status: criteria provided, single submitter. Criteria: ACMG Guidelines, 2015. Collection method: clinical testing. Allele origin: germline. Affected: yes.

Eurofins Ntd Llc (ga)
Classification: Uncertain significance. Last evaluated: 2017-02-23. Review status: criteria provided, single submitter. Criteria: EGL Classification Definitions 2015. Collection method: clinical testing. Allele origin: germline. Observed: 1 variant allele, 1 heterozygote.

Retina International
No classification provided. Review status: no classification provided. Collection method: not provided. Allele origin: not provided. Not counted in ClinVar's aggregate classification.

Literature cited by the submitters: PubMed 9973280 (cited by Labcorp Genetics (formerly Invitae), Labcorp and Institute of Human Genetics, Univ. Regensburg, Univ. Regensburg); PubMed 15192030 (cited by Labcorp Genetics (formerly Invitae), Labcorp); PubMed 24409374 (cited by Labcorp Genetics (formerly Invitae), Labcorp).

NM_000350.3(ABCA4):c.3610G>A (p.Asp1204Asn)

Genes: ABCA4 (ATP binding cassette subfamily A member 4; minus strand), LOC126805794 (BRD4-independent group 4 enhancer GRCh37_chr1:94502188-94503387; plus strand). Cytogenetic location: 1p22.1.
Variant type: single nucleotide variant.
Coding change: c.3610G>A on transcript NM_000350.3 (MANE Select); coding-DNA position 3610, G replaced by A.
Protein change: p.Asp1204Asn; replaces aspartic acid 1204 with asparagine.
Molecular consequence: missense variant.
Genome position (GRCh38, 1-based): chr1:94,037,348, C>T on the plus strand (G>A on the coding strand, the complement: ABCA4 is on the minus strand). VCF-style: chr1-94037348-C-T. GRCh37 (hg19) VCF-style: chr1-94502904-C-T.
Other names: c.3388G>A, p.Asp1130Asn (NM_001425324.1); short protein forms D1204N, D1130N.
Identifiers: ClinVar variation 99234 (VCV000099234.12), dbSNP rs61750127, ClinGen allele CA227127.